The following is an entry in ClinVar:

ClinVar aggregate classification (germline): Uncertain significance (1 of 4 stars; one submission).

Conditions:
Emery-Dreifuss muscular dystrophy 4, autosomal dominant (EDMD4). Also called: EMERY-DREIFUSS MUSCULAR DYSTROPHY 4 WITH VARIABLE FEATURES. Identifiers: Orphanet 261, MedGen C2751807, MONDO:0013071, OMIM 612998.
Autosomal recessive ataxia, Beauce type. Also called: SYNE1 Deficiency; Spinocerebellar ataxia, autosomal recessive 8; ATAXIA, RECESSIVE, OF BEAUCE; SYNE1-Related Autosomal Recessive Cerebellar Ataxia. Identifiers: Orphanet 88644, MedGen C1853116, MONDO:0012549, OMIM 610743.

Submission:

Labcorp Genetics (formerly Invitae), Labcorp
Classification: Uncertain significance for Emery-Dreifuss muscular dystrophy 4, autosomal dominant; Autosomal recessive ataxia, Beauce type. Last evaluated: 2022-08-06. Review status: criteria provided, single submitter. Criteria: Invitae Variant Classification Sherloc (09022015). Collection method: clinical testing. Allele origin: germline.
Comment: This sequence change replaces leucine, which is neutral and non-polar, with valine, which is neutral and non-polar, at codon 8452 of the SYNE1 protein (p.Leu8452Val). This variant is not present in population databases (gnomAD no frequency). This variant has not been reported in the literature in individuals affected with SYNE1-related conditions. Algorithms developed to predict the effect of missense changes on protein structure and function are either unavailable or do not agree on the potential impact of this missense change (SIFT: "Deleterious"; PolyPhen-2: "Benign"; Align-GVGD: "Class C0"). In summary, the available evidence is currently insufficient to determine the role of this variant in disease. Therefore, it has been classified as a Variant of Uncertain Significance.

NM_182961.4(SYNE1):c.25498C>G (p.Leu8500Val)

Gene: SYNE1 (spectrin repeat containing nuclear envelope protein 1; minus strand). Cytogenetic location: 6q25.2.
Variant type: single nucleotide variant.
Coding change: c.25498C>G on transcript NM_182961.4 (MANE Select); coding-DNA position 25498, C replaced by G.
Protein change: p.Leu8500Val; replaces leucine 8500 with valine.
Molecular consequence: missense variant.
Genome position (GRCh38, 1-based): chr6:152,136,779, G>C on the plus strand (C>G on the coding strand, the complement: SYNE1 is on the minus strand). VCF-style: chr6-152136779-G-C. GRCh37 (hg19) VCF-style: chr6-152457914-G-C.
Other names: c.2104C>G, p.Leu702Val (NM_001347701.2); c.2032C>G, p.Leu678Val (NM_001347702.2); c.25354C>G, p.Leu8452Val (NM_033071.5); short protein forms L8500V, L8452V, L702V, L678V.
Identifiers: ClinVar variation 1965810 (VCV001965810.2), dbSNP rs2549557094, ClinGen allele CA366079121.